The following is an entry in ClinVar:

NM_000540.3(RYR1):c.8925C>T (p.Ala2975=)

Gene: RYR1 (ryanodine receptor 1; plus strand). Cytogenetic location: 19q13.2.
Variant type: single nucleotide variant.
Coding change: c.8925C>T on transcript NM_000540.3 (MANE Select); coding-DNA position 8925, C replaced by T.
Protein change: p.Ala2975=; no amino-acid change (alanine 2975 retained).
Molecular consequence: synonymous variant.
Genome position (GRCh38, 1-based): chr19:38,507,820, C>T. VCF-style: chr19-38507820-C-T. GRCh37 (hg19) VCF-style: chr19-38998460-C-T.
Other names: c.8925C>T, p.Ala2975= (NM_001042723.2).
Identifiers: ClinVar variation 1150727 (VCV001150727.10), dbSNP rs1970545784, ClinGen allele CA507246027.

ClinVar aggregate classification (germline): Likely benign. Review status: criteria provided, multiple submitters, no conflicts (2 of 4 stars). 2 submissions from 2 submitters: Likely benign (2). Last evaluated 2023-10-06.

Conditions:
RYR1-related disorder. Also called: RYR1-related condition; RYR1-related disorders. Identifiers: MedGen CN239331.
Malignant hyperthermia, susceptibility to, 1 (MHS1). Also called: Anesthesia related hyperthermia; Malignant hyperpyrexia; Fulminating hyperpyrexia; Pharmacogenic myopathy; Malignant hyperthermia suceptibility 1; RYR1-Related Malignant Hyperthermia Susceptibility. Identifiers: Orphanet 423, MedGen C2930980, MONDO:0007783, OMIM 145600.

Allele frequency attached by ClinVar (database versions not stated): TOPMed below 0.00001; gnomAD exomes below 0.00001.
gnomAD v4.1: 6 of 1,608,600 alleles (0.00037%); highest among the groups gnomAD compares: Non-Finnish European, 0.00051%; no homozygotes.

Submissions (2):

All of Us Research Program, National Institutes of Health
Classification: Likely benign for Malignant hyperthermia, susceptibility to, 1. Last evaluated: 2023-10-06. Review status: criteria provided, single submitter. Criteria: ACMG Guidelines, 2015. Collection method: clinical testing. Allele origin: germline. Inheritance: Autosomal dominant inheritance. Observed: 2 variant alleles, 2 heterozygotes.
Comment: This study involves interpretation of variants in research participants for the purpose of population health screening. Participant phenotype was not available at the time of variant classification. Additional details can be found in publication PMID: 35346344, PMCID: PMC8962531

Labcorp Genetics (formerly Invitae), Labcorp
Classification: Likely benign for RYR1-related disorder. Last evaluated: 2022-01-13. Review status: criteria provided, single submitter. Criteria: Invitae Variant Classification Sherloc (09022015). Collection method: clinical testing. Allele origin: germline.